The following is an entry in ClinVar:

ClinVar aggregate classification (germline): Uncertain significance (1 of 4 stars; one submission).

Conditions:
PLXNA3-related disorder. Also called: PLXNA3-related condition.

Allele frequency attached by ClinVar (database versions not stated): gnomAD 0.00005; TOPMed 0.00005; gnomAD exomes 0.00006; ExAC 0.00007.
gnomAD v4.1: 74 of 1,208,759 alleles (0.0061%); highest among the groups gnomAD compares: Non-Finnish European, 0.0041%; no homozygotes.

Submission:

PreventionGenetics, part of Exact Sciences
Classification: Uncertain significance for PLXNA3-related condition. Last evaluated: 2026-04-07. Review status: criteria provided, single submitter. Criteria: ACMG Guidelines, 2015. Collection method: clinical testing. Allele origin: germline.
Comment: The PLXNA3 c.2723C>T variant is predicted to result in the amino acid substitution p.Pro908Leu. To our knowledge, this variant has not been reported in the literature. This variant is reported in 0.14% of alleles in individuals of Ashkenazi Jewish descent in gnomAD. Although we suspect that this variant may be benign, at this time, the clinical significance of this variant is uncertain due to the absence of conclusive functional and genetic evidence.

NM_017514.5(PLXNA3):c.2723C>T (p.Pro908Leu)

Gene: PLXNA3 (plexin A3; plus strand). Cytogenetic location: Xq28.
Variant type: single nucleotide variant.
Coding change: c.2723C>T on transcript NM_017514.5 (MANE Select); coding-DNA position 2723, C replaced by T.
Protein change: p.Pro908Leu; replaces proline 908 with leucine.
Molecular consequence: missense variant.
Genome position (GRCh38, 1-based): chrX:154,466,194, C>T. VCF-style: chrX-154466194-C-T. GRCh37 (hg19) VCF-style: chrX-153694537-C-T.
Other names: short protein forms P908L.
Identifiers: ClinVar variation 2634644 (VCV002634644.2), dbSNP rs201983357, ClinGen allele CA10564463.